The following is an entry in ClinVar:

NM_003872.3(NRP2):c.2613C>T (p.Gly871=)

Gene: NRP2 (neuropilin 2; plus strand). Cytogenetic location: 2q33.3.
Variant type: single nucleotide variant.
Coding change: c.2613C>T on transcript NM_003872.3 (MANE Select); coding-DNA position 2613, C replaced by T.
Protein change: p.Gly871=; no amino-acid change (glycine 871 retained).
Molecular consequence: synonymous variant.
Genome position (GRCh38, 1-based): chr2:205,794,890, C>T. VCF-style: chr2-205794890-C-T. GRCh37 (hg19) VCF-style: chr2-206659614-C-T.
Other names: c.2628C>T, p.Gly876= (NM_201266.2); c.2562C>T, p.Gly854= (NM_201279.2).
Identifiers: ClinVar variation 3045800 (VCV003045800.2), dbSNP rs780371148, ClinGen allele CA2069625.

ClinVar aggregate classification (germline): Likely benign (0 of 4 stars; one submission).

Conditions:
NRP2-related disorder. Also called: NRP2-related condition.

gnomAD v4.1: 26 of 1,614,042 alleles (0.0016%); highest among the groups gnomAD compares: Admixed American, 0.022%; no homozygotes.

Submission:

PreventionGenetics, part of Exact Sciences
Classification: Likely benign for NRP2-related condition. Last evaluated: 2021-07-13. Review status: no assertion criteria provided. Collection method: clinical testing. Allele origin: germline.
Comment: This variant is classified as likely benign based on ACMG/AMP sequence variant interpretation guidelines (Richards et al. 2015 PMID: 25741868, with internal and published modifications).